The following is an entry in ClinVar:

NM_017763.6(RNF43):c.2049T>A (p.His683Gln)

Gene: RNF43 (ring finger protein 43; minus strand). Cytogenetic location: 17q22.
Variant type: single nucleotide variant.
Coding change: c.2049T>A on transcript NM_017763.6 (MANE Select); coding-DNA position 2049, T replaced by A.
Protein change: p.His683Gln; replaces histidine 683 with glutamine.
Molecular consequence: missense variant.
Genome position (GRCh38, 1-based): chr17:58,357,727, A>T on the plus strand (T>A on the coding strand, the complement: RNF43 is on the minus strand). VCF-style: chr17-58357727-A-T. GRCh37 (hg19) VCF-style: chr17-56435088-A-T.
Other names: c.2049T>A, p.His683Gln (NM_001305544.3, NM_001438820.1, NM_001438821.1 and 1 more transcripts); c.1668T>A, p.His556Gln (NM_001305545.2, NM_001437987.1); short protein forms H683Q, H556Q.
Identifiers: ClinVar variation 4155814 (VCV004155814.1).
Genomic context (GRCh38, chr17:58,357,727, plus strand): 5'-AGGTCCACAGATCAAGGGGTGTGCCTCTGGGGACCAAGGATATGCCACACTGGGGGTGTA[A>T]TGGGGAAAAATCTGGCAAGCTGGGTGCACAGTTGCATCCTGGGGCCGAGAGCCAGGGGTG-3'
Protein context (NP_060233.3, residues 673-693): TVHPACQIFP[His683Gln]YTPSVAYPWS

ClinVar aggregate classification (germline): Uncertain significance (1 of 4 stars; one submission).

Submission:

Ambry Genetics
Classification: Uncertain significance. Last evaluated: 2025-09-11. Review status: criteria provided, single submitter. Criteria: Ambry Variant Classification Scheme 2023. Collection method: clinical testing. Allele origin: germline.
Comment: The p.H683Q variant (also known as c.2049T>A), located in coding exon 8 of the RNF43 gene, results from a T to A substitution at nucleotide position 2049. The histidine at codon 683 is replaced by glutamine, an amino acid with highly similar properties. This amino acid position is conserved. In addition, this alteration is predicted to be tolerated by in silico analysis. Based on the available evidence, the clinical significance of this variant remains unclear.